The following is an entry in ClinVar:

NM_000051.4(ATM):c.1657G>A (p.Gly553Arg)

Gene: ATM (ATM serine/threonine kinase; plus strand). Cytogenetic location: 11q22.3.
Variant type: single nucleotide variant.
Coding change: c.1657G>A on transcript NM_000051.4 (MANE Select); coding-DNA position 1657, G replaced by A.
Protein change: p.Gly553Arg; replaces glycine 553 with arginine.
Molecular consequence: missense variant.
Genome position (GRCh38, 1-based): chr11:108,251,886, G>A. VCF-style: chr11-108251886-G-A. GRCh37 (hg19) VCF-style: chr11-108122613-G-A.
Other names: c.1657G>A, p.Gly553Arg (NM_001351834.2); short protein forms G553R.
Identifiers: ClinVar variation 819754 (VCV000819754.6), dbSNP rs1591527438, ClinGen allele CA382535061.

ClinVar aggregate classification (germline): Uncertain significance. Review status: criteria provided, single submitter (1 of 4 stars). 2 submissions from 2 submitters: Uncertain significance (1). 1 of the submissions does not count toward it. Last evaluated 2019-10-03.

Conditions:
Hereditary cancer-predisposing syndrome. Also called: Neoplastic Syndromes, Hereditary; Tumor predisposition; Hereditary Cancer Syndrome; Hereditary neoplastic syndrome. Identifiers: Orphanet 140162, MedGen C0027672, MeSH D009386, MONDO:0015356.
Malignant tumor of breast. Also called: Malignant breast neoplasm; Cancer breast. Identifiers: MedGen C0006142, MONDO:0007254. Disease mechanism: loss of function.

Allele frequency attached by ClinVar (database versions not stated): gnomAD exomes below 0.00001.
gnomAD v4.1: 2 of 1,613,868 alleles (0.00012%); highest among the groups gnomAD compares: Non-Finnish European, 0.00017%; no homozygotes.

Submissions (2):

Ambry Genetics
Classification: Uncertain significance for Hereditary cancer-predisposing syndrome. Last evaluated: 2019-10-03. Review status: criteria provided, single submitter. Criteria: Ambry Variant Classification Scheme 2023. Collection method: clinical testing. Allele origin: germline.
Comment: The p.G553R variant (also known as c.1657G>A), located in coding exon 10 of the ATM gene, results from a G to A substitution at nucleotide position 1657. The glycine at codon 553 is replaced by arginine, an amino acid with dissimilar properties. This amino acid position is poorly conserved in available vertebrate species. In addition, this alteration is predicted to be tolerated by in silico analysis. Since supporting evidence is limited at this time, the clinical significance of this alteration remains unclear.

Department of Pathology and Laboratory Medicine, Sinai Health System
Classification: Uncertain significance for Malignant tumor of breast. Review status: no assertion criteria provided. Collection method: clinical testing. Allele origin: unknown. Affected: yes. Observed: 1 variant allele. Study: The Canadian Open Genetics Repository (COGR). Not counted in ClinVar's aggregate classification.
Comment: The ATM p.Gly553Arg variant was not identified in the literature nor was it identified in the following databases: dbSNP, ClinVar, COGR, Cosmic, or LOVD 3.0, the 1000 Genomes Project, the NHLBI GO Exome Sequencing Project, the Exome Aggregation Consortium (August 8th 2016), or the Genome Aggregation Database (Feb 27, 2017). The p.Gly553 residue is not conserved in mammals and 4 of 4 computational analyses (PolyPhen-2, SIFT, AlignGVGD, MutationTaster) do not suggest a high likelihood of impact to the protein; however, this information is not predictive enough to rule out pathogenicity. The variant occurs outside of the splicing consensus sequence and 4 of 4 in silico or computational prediction software programs (SpliceSiteFinder, MaxEntScan, NNSPLICE, GeneSplicer) do not predict a difference in splicing. In summary, based on the above information, the clinical significance of this variant cannot be determined with certainty at this time. This variant is classified as a variant of uncertain significance.